The following is an entry in ClinVar:

NM_004004.6(GJB2):c.318C>A (p.Phe106Leu)

Gene: GJB2 (gap junction protein beta 2; minus strand). Cytogenetic location: 13q12.11.
Variant type: single nucleotide variant.
Coding change: c.318C>A on transcript NM_004004.6 (MANE Select); coding-DNA position 318, C replaced by A.
Protein change: p.Phe106Leu; replaces phenylalanine 106 with leucine.
Molecular consequence: missense variant.
Genome position (GRCh38, 1-based): chr13:20,189,264, G>T on the plus strand (C>A on the coding strand, the complement: GJB2 is on the minus strand). VCF-style: chr13-20189264-G-T. GRCh37 (hg19) VCF-style: chr13-20763403-G-T.
Other names: short protein forms F106L.
Identifiers: ClinVar variation 551991 (VCV000551991.3), dbSNP rs779358271, ClinGen allele CA6904282.

ClinVar aggregate classification (germline): Uncertain significance. Review status: criteria provided, single submitter (1 of 4 stars). 2 submissions from 2 submitters: Uncertain significance (1). 1 of the submissions does not count toward it. Last evaluated 2024-09-26.

Conditions:
Autosomal recessive nonsyndromic hearing loss 1A (DFNB1A). Also called: GJB6-Related DFNB 1 Nonsyndromic Hearing Loss and Deafness; Deafness, autosomal recessive 1A; Connexin 26 deafness; Deafness nonsyndromic, Connexin 26 linked; GJB2-Related Autosomal Recessive Nonsyndromic Hearing Loss; Nonsyndromic Hearing Loss and Deafness, DFNB1. Identifiers: Orphanet 90636, MedGen C2673759, MONDO:0009076, OMIM 220290.

Allele frequency attached by ClinVar (database versions not stated): gnomAD exomes below 0.00001; ExAC 0.00001; TOPMed 0.00002; gnomAD 0.00004.
gnomAD v4.1: 9 of 1,612,998 alleles (0.00056%); highest among the groups gnomAD compares: African/African-American, 0.0093%; no homozygotes.

Submissions (2):

GeneDx
Classification: Uncertain significance. Last evaluated: 2024-09-26. Review status: criteria provided, single submitter. Criteria: GeneDx Variant Classification Process June 2021. Collection method: clinical testing. Allele origin: germline. Affected: yes.
Comment: In silico analysis indicates that this missense variant does not alter protein structure/function; This variant is associated with the following publications: (PMID: 36048236, 26178431, 25587757)

Counsyl
Classification: Uncertain significance for Autosomal recessive nonsyndromic hearing loss 1A. Last evaluated: 2017-05-12. Review status: no assertion criteria provided. Collection method: clinical testing. Allele origin: unknown. Not counted in ClinVar's aggregate classification.

Literature cited by the submitters: PubMed 26178431 (cited by Counsyl); PubMed 27627659 (cited by Counsyl).